The following is an entry in ClinVar:

ClinVar aggregate classification (germline): Likely benign. Review status: criteria provided, single submitter (1 of 4 stars). 2 submissions from 2 submitters: Likely benign (1). 1 of the submissions does not count toward it. Last evaluated 2025-01-09.

Conditions:
ITPR1-related disorder. Also called: ITPR1-related condition.

Allele frequency attached by ClinVar (database versions not stated): gnomAD exomes 0.00001; ExAC 0.00005.
gnomAD v4.1: 13 of 1,393,548 alleles (0.00093%); highest among the groups gnomAD compares: Middle Eastern, 0.072%; no homozygotes.

Submissions (2):

Labcorp Genetics (formerly Invitae), Labcorp
Classification: Likely benign. Last evaluated: 2025-01-09. Review status: criteria provided, single submitter. Criteria: Invitae Variant Classification Sherloc (09022015). Collection method: clinical testing. Allele origin: germline.

PreventionGenetics, part of Exact Sciences
Classification: Likely benign for ITPR1-related condition. Last evaluated: 2019-05-28. Review status: no assertion criteria provided. Collection method: clinical testing. Allele origin: germline. Not counted in ClinVar's aggregate classification.
Comment: This variant is classified as likely benign based on ACMG/AMP sequence variant interpretation guidelines (Richards et al. 2015 PMID: 25741868, with internal and published modifications).

NM_001378452.1(ITPR1):c.5103+9T>C

Genes: BRRIAR (BHLHE40 and RIG-I regulating ITPR1 antisense RNA; minus strand), ITPR1 (inositol 1,4,5-trisphosphate receptor type 1; plus strand). Cytogenetic location: 3p26.1.
Variant type: single nucleotide variant.
Coding change: c.5103+9T>C on transcript NM_001378452.1 (MANE Select); 9 bases into the intron after coding-DNA position 5103, T replaced by C.
Molecular consequence: intron variant.
Genome position (GRCh38, 1-based): chr3:4,711,877, T>C. VCF-style: chr3-4711877-T-C. GRCh37 (hg19) VCF-style: chr3-4753561-T-C.
Other names: c.5031+9T>C (NM_002222.5, NM_002222.7); c.5076+9T>C (NM_001099952.4); c.5058+9T>C (NM_001168272.2).
Identifiers: ClinVar variation 1902211 (VCV001902211.7), dbSNP rs761918416, ClinGen allele CA2232164.